The following is an entry in ClinVar:

NM_145068.4(TRPV3):c.2279-15T>A

Gene: TRPV3 (transient receptor potential cation channel subfamily V member 3; minus strand). Cytogenetic location: 17p13.2.
Variant type: single nucleotide variant.
Coding change: c.2279-15T>A on transcript NM_145068.4 (MANE Select); 15 bases into the intron before coding-DNA position 2279, T replaced by A.
Molecular consequence: intron variant.
Genome position (GRCh38, 1-based): chr17:3,514,026, A>T on the plus strand (T>A on the coding strand, the complement: TRPV3 is on the minus strand). VCF-style: chr17-3514026-A-T. GRCh37 (hg19) VCF-style: chr17-3417320-A-T.
Other names: c.2279-12T>A (NM_001258205.2).
Identifiers: ClinVar variation 322754 (VCV000322754.14), dbSNP rs72809877, ClinGen allele CA8289118.

ClinVar aggregate classification (germline): Benign/Likely benign. Review status: criteria provided, multiple submitters, no conflicts (2 of 4 stars). 4 submissions from 4 submitters: Benign (3); Likely benign (1). Last evaluated 2025-12-24.

Conditions:
Isolated focal non-epidermolytic palmoplantar keratoderma. Also called: Palmoplantar keratoderma, nonepidermolytic, focal 2. Identifiers: Orphanet 448264, MedGen C4225339, MONDO:0014622, OMIM 616400.

Allele frequency attached by ClinVar (database versions not stated): 1000 Genomes Project 0.00240; 1000 Genomes Project 30x 0.00265; ESP Exome Variant Server 0.00300; TOPMed 0.00395.
gnomAD v4.1: 8,087 of 1,590,096 alleles (0.51%); highest among the groups gnomAD compares: Middle Eastern, 1.2%; 27 homozygotes.

Submissions (4):

Labcorp Genetics (formerly Invitae), Labcorp
Classification: Benign. Last evaluated: 2025-12-24. Review status: criteria provided, single submitter. Criteria: Invitae Variant Classification Sherloc (09022015). Collection method: clinical testing. Allele origin: germline.

Genomic Medicine Center of Excellence, King Faisal Specialist Hospital and Research Centre
Classification: Likely benign. Last evaluated: 2025-08-18. Review status: criteria provided, single submitter. Criteria: ACMG Guidelines, 2015. Collection method: clinical testing. Allele origin: germline.

Illumina Laboratory Services, Illumina
Classification: Benign for Isolated focal non-epidermolytic palmoplantar keratoderma. Last evaluated: 2018-01-13. Review status: criteria provided, single submitter. Criteria: ICSL Variant Classification Criteria 13 December 2019. Collection method: clinical testing. Allele origin: germline.
Comment: This variant was observed in the ICSL laboratory as part of a predisposition screen in an ostensibly healthy population. It had not been previously curated by ICSL or reported in the Human Gene Mutation Database (HGMD: prior to June 1st, 2018), and was therefore a candidate for classification through an automated scoring system. Utilizing variant allele frequency, disease prevalence and penetrance estimates, and inheritance mode, an automated score was calculated to assess if this variant is too frequent to cause the disease. Based on the score and internal cut-off values, a variant classified as benign is not then subjected to further curation. The score for this variant resulted in a classification of benign for this disease.

Breakthrough Genomics
Classification: Benign. Review status: criteria provided, single submitter. Criteria: ACMG Guidelines, 2015. Collection method: not provided. Allele origin: germline. Inheritance: Autosomal dominant inheritance. Affected: yes.